The following is an entry in ClinVar:

NM_024105.4(ALG12):c.764G>T (p.Trp255Leu)

Gene: ALG12 (ALG12 alpha-1,6-mannosyltransferase; minus strand). Cytogenetic location: 22q13.33.
Variant type: single nucleotide variant.
Coding change: c.764G>T on transcript NM_024105.4 (MANE Select); coding-DNA position 764, G replaced by T.
Protein change: p.Trp255Leu; replaces tryptophan 255 with leucine.
Molecular consequence: missense variant.
Genome position (GRCh38, 1-based): chr22:49,909,248, C>A on the plus strand (G>T on the coding strand, the complement: ALG12 is on the minus strand). VCF-style: chr22-49909248-C-A. GRCh37 (hg19) VCF-style: chr22-50302896-C-A.
Other names: short protein forms W255L.
Identifiers: ClinVar variation 1947318 (VCV001947318.2), dbSNP rs781106172, ClinGen allele CA325427455.

ClinVar aggregate classification (germline): Uncertain significance (1 of 4 stars; one submission).

Conditions:
ALG12-congenital disorder of glycosylation (CDG1G). Also called: CDG Ig; ALG12-CDG; Congenital disorder of glycosylation, type Ig. Identifiers: Orphanet 79324, MedGen C2931001, MONDO:0011783, OMIM 607143.

Allele frequency attached by ClinVar (database versions not stated): TOPMed below 0.00001.
gnomAD v4.1: 42 of 1,614,228 alleles (0.0026%); highest among the groups gnomAD compares: Non-Finnish European, 0.0035%; no homozygotes.

Submission:

Labcorp Genetics (formerly Invitae), Labcorp
Classification: Uncertain significance for ALG12-congenital disorder of glycosylation. Last evaluated: 2022-05-04. Review status: criteria provided, single submitter. Criteria: Invitae Variant Classification Sherloc (09022015). Collection method: clinical testing. Allele origin: germline.
Comment: This sequence change replaces tryptophan, which is neutral and slightly polar, with leucine, which is neutral and non-polar, at codon 255 of the ALG12 protein (p.Trp255Leu). This variant is not present in population databases (gnomAD no frequency). This variant has not been reported in the literature in individuals affected with ALG12-related conditions. Algorithms developed to predict the effect of missense changes on protein structure and function are either unavailable or do not agree on the potential impact of this missense change (SIFT: "Deleterious"; PolyPhen-2: "Probably Damaging"; Align-GVGD: "Class C0"). Algorithms developed to predict the effect of sequence changes on RNA splicing suggest that this variant may create or strengthen a splice site. In summary, the available evidence is currently insufficient to determine the role of this variant in disease. Therefore, it has been classified as a Variant of Uncertain Significance.